The following is an entry in ClinVar:

ClinVar aggregate classification (germline): Conflicting classifications of pathogenicity. Review status: criteria provided, conflicting classifications (1 of 4 stars). 10 submissions from 7 submitters: Uncertain significance (1); Benign (4); Likely benign (5). Last evaluated 2026-08-01.

Conditions:
Combined PSAP deficiency (PSAPD). Also called: Encephalopathy due to prosaposin deficiency; COMBINED SAP DEFICIENCY; PROSAPOSIN DEFICIENCY. Identifiers: Orphanet 139406, MedGen C2673635, MONDO:0012719, OMIM 611721.
Krabbe disease due to saposin A deficiency. Also called: KRABBE DISEASE, ATYPICAL, DUE TO SAPOSIN A DEFICIENCY; Saposin A Deficiency. Identifiers: Orphanet 487, MedGen C2673266, MONDO:0012720, OMIM 611722.
Gaucher disease due to saposin C deficiency. Also called: Atypical Gaucher disease due to saposin C deficiency; Saposin C Deficiency. Identifiers: Orphanet 309252, Orphanet 355, MedGen C1864651, MONDO:0012517, OMIM 610539.
Sphingolipid activator protein 1 deficiency. Also called: Metachromatic leukodystrophy due to saposin B deficiency; METACHROMATIC LEUKODYSTROPHY DUE TO CEREBROSIDE SULFATASE ACTIVATOR DEFICIENCY; Saposin B Deficiency. Identifiers: Orphanet 512, MedGen C0268262, MONDO:0009590, OMIM 249900.

Allele frequency attached by ClinVar (database versions not stated): 1000 Genomes Project 30x 0.00016; 1000 Genomes Project 0.00020; TOPMed 0.00235; gnomAD 0.00251 and 0.00266; gnomAD exomes 0.00265 and 0.00416; ExAC 0.00289; ESP Exome Variant Server 0.00338.
gnomAD v4.1: 6,344 of 1,613,890 alleles (0.39%); highest among the groups gnomAD compares: Non-Finnish European, 0.5%; 25 homozygotes.

Submissions (10):

CeGaT Center for Human Genetics Tuebingen
Classification: Likely benign. Last evaluated: 2026-08-01. Review status: criteria provided, single submitter. Criteria: CeGaT Center For Human Genetics Tuebingen Variant Classification Criteria Version 2. Collection method: clinical testing. Allele origin: germline. Affected: yes. Observed: 17 variant alleles.
Comment: PSAP: BP4, BP7, BS2

Labcorp Genetics (formerly Invitae), Labcorp
Classification: Benign for Sphingolipid activator protein 1 deficiency. Last evaluated: 2026-01-25. Review status: criteria provided, single submitter. Criteria: Invitae Variant Classification Sherloc (09022015). Collection method: clinical testing. Allele origin: germline.

ARUP Laboratories, Molecular Genetics and Genomics, ARUP Laboratories
Classification: Benign. Last evaluated: 2025-04-30. Review status: criteria provided, single submitter. Criteria: ARUP Molecular Germline Variant Investigation Process 2024. Collection method: clinical testing. Allele origin: germline.

Blueprint Genetics
Classification: Likely benign. Last evaluated: 2024-11-27. Review status: criteria provided, single submitter. Criteria: ACMG Guidelines, 2015. Collection method: clinical testing. Allele origin: germline.

Mayo Clinic Laboratories, Mayo Clinic
Classification: Benign. Last evaluated: 2023-08-24. Review status: criteria provided, single submitter. Criteria: ACMG Guidelines, 2015. Collection method: clinical testing. Allele origin: germline. Observed: 8 variant alleles.
Comment: BS1, BS2, BP4, BP7

GeneDx
Classification: Likely benign. Last evaluated: 2019-06-25. Review status: criteria provided, single submitter. Criteria: GeneDx Variant Classification Process June 2021. Collection method: clinical testing. Allele origin: germline. Affected: yes.

Illumina Laboratory Services, Illumina
Classification: Benign for Gaucher disease due to saposin C deficiency. Last evaluated: 2018-01-13. Review status: criteria provided, single submitter. Criteria: ICSL Variant Classification Criteria 13 December 2019. Collection method: clinical testing. Allele origin: germline.
Comment: This variant was observed in the ICSL laboratory as part of a predisposition screen in an ostensibly healthy population. It had not been previously curated by ICSL or reported in the Human Gene Mutation Database (HGMD: prior to June 1st, 2018), and was therefore a candidate for classification through an automated scoring system. Utilizing variant allele frequency, disease prevalence and penetrance estimates, and inheritance mode, an automated score was calculated to assess if this variant is too frequent to cause the disease. Based on the score and internal cut-off values, a variant classified as benign is not then subjected to further curation. The score for this variant resulted in a classification of benign for this disease.

Illumina Laboratory Services, Illumina
Classification: Likely benign for Combined PSAP deficiency. Last evaluated: 2018-01-13. Review status: criteria provided, single submitter. Criteria: ICSL Variant Classification Criteria 13 December 2019. Collection method: clinical testing. Allele origin: germline.
Comment: This variant was observed in the ICSL laboratory as part of a predisposition screen in an ostensibly healthy population. It had not been previously curated by ICSL or reported in the Human Gene Mutation Database (HGMD: prior to June 1st, 2018), and was therefore a candidate for classification through an automated scoring system. Utilizing variant allele frequency, disease prevalence and penetrance estimates, and inheritance mode, an automated score was calculated to assess if this variant is too frequent to cause the disease. Based on the score and internal cut-off values, a variant classified as likely benign is not then subjected to further curation. The score for this variant resulted in a classification of likely benign for this disease.

Illumina Laboratory Services, Illumina
Classification: Uncertain significance for Sphingolipid activator protein 1 deficiency. Last evaluated: 2018-01-13. Review status: criteria provided, single submitter. Criteria: ICSL Variant Classification Criteria 13 December 2019. Collection method: clinical testing. Allele origin: germline.

Illumina Laboratory Services, Illumina
Classification: Likely benign for Krabbe disease due to saposin A deficiency. Last evaluated: 2018-01-13. Review status: criteria provided, single submitter. Criteria: ICSL Variant Classification Criteria 13 December 2019. Collection method: clinical testing. Allele origin: germline.
Comment: the same text as in the submission from Illumina Laboratory Services, Illumina above.

NM_002778.4(PSAP):c.189C>T (p.Cys63=)

Gene: PSAP (prosaposin; minus strand). Cytogenetic location: 10q22.1.
Variant type: single nucleotide variant.
Coding change: c.189C>T on transcript NM_002778.4 (MANE Select); coding-DNA position 189, C replaced by T.
Protein change: p.Cys63=; no amino-acid change (cysteine 63 retained).
Molecular consequence: synonymous variant.
Genome position (GRCh38, 1-based): chr10:71,831,906, G>A on the plus strand (C>T on the coding strand, the complement: PSAP is on the minus strand). VCF-style: chr10-71831906-G-A. GRCh37 (hg19) VCF-style: chr10-73591663-G-A.
Other names: p.Cys63=; c.189C>T, p.Cys63= (NM_001042465.3, NM_001042466.3).
Identifiers: ClinVar variation 300531 (VCV000300531.50), dbSNP rs111369573, ClinGen allele CA5547853.